The following is an entry in ClinVar:

ClinVar aggregate classification (germline): Uncertain significance (1 of 4 stars; one submission).

Conditions:
Ehlers-Danlos syndrome, type 4 (EDSVASC). Also called: Ehlers-Danlos syndrome vascular type; Ehlers Danlos syndrome, ecchymotic type; Ehlers Danlos syndrome, arterial type; Ehlers Danlos syndrome, Sack-Barabas type; Ehlers-Danlos Syndrome Type IV. Identifiers: Orphanet 286, MedGen C0268338, MONDO:0017314, OMIM 130050.

Allele frequency attached by ClinVar (database versions not stated): gnomAD exomes below 0.00001.
gnomAD v4.1: 1 of 1,613,058 alleles (0.000062%); highest among the groups gnomAD compares: Non-Finnish European, 0.000085%; no homozygotes.

Submission:

Labcorp Genetics (formerly Invitae), Labcorp
Classification: Uncertain significance for Ehlers-Danlos syndrome, type 4. Last evaluated: 2021-12-11. Review status: criteria provided, single submitter. Criteria: Invitae Variant Classification Sherloc (09022015). Collection method: clinical testing. Allele origin: germline.
Comment: This variant has not been reported in the literature in individuals affected with COL3A1-related conditions. This sequence change replaces glycine, which is neutral and non-polar, with valine, which is neutral and non-polar, at codon 163 of the COL3A1 protein (p.Gly163Val). This variant is not present in population databases (gnomAD no frequency). Advanced modeling of protein sequence and biophysical properties (such as structural, functional, and spatial information, amino acid conservation, physicochemical variation, residue mobility, and thermodynamic stability) performed at Invitae indicates that this missense variant is not expected to disrupt COL3A1 protein function. In summary, the available evidence is currently insufficient to determine the role of this variant in disease. Therefore, it has been classified as a Variant of Uncertain Significance.

NM_000090.4(COL3A1):c.488G>T (p.Gly163Val)

Gene: COL3A1 (collagen type III alpha 1 chain; plus strand). Cytogenetic location: 2q32.2.
Variant type: single nucleotide variant.
Coding change: c.488G>T on transcript NM_000090.4 (MANE Select); coding-DNA position 488, G replaced by T.
Protein change: p.Gly163Val; replaces glycine 163 with valine.
Molecular consequence: missense variant.
Genome position (GRCh38, 1-based): chr2:188,987,099, G>T. VCF-style: chr2-188987099-G-T. GRCh37 (hg19) VCF-style: chr2-189851825-G-T.
Other names: short protein forms G163V.
Identifiers: ClinVar variation 2413500 (VCV002413500.8), dbSNP rs2469111460, ClinGen allele CA349848121.